The following is an entry in ClinVar:

ClinVar aggregate classification (germline): Uncertain significance (1 of 4 stars; one submission).

Submission:

Labcorp Genetics (formerly Invitae), Labcorp
Classification: Uncertain significance. Last evaluated: 2023-03-29. Review status: criteria provided, single submitter. Criteria: Invitae Variant Classification Sherloc (09022015). Collection method: clinical testing. Allele origin: germline.
Comment: This sequence change replaces leucine, which is neutral and non-polar, with isoleucine, which is neutral and non-polar, at codon 497 of the ERMARD protein (p.Leu497Ile). This variant is not present in population databases (gnomAD no frequency). This variant has not been reported in the literature in individuals affected with ERMARD-related conditions. In summary, the available evidence is currently insufficient to determine the role of this variant in disease. Therefore, it has been classified as a Variant of Uncertain Significance. Advanced modeling of protein sequence and biophysical properties (such as structural, functional, and spatial information, amino acid conservation, physicochemical variation, residue mobility, and thermodynamic stability) performed at Invitae indicates that this missense variant is not expected to disrupt ERMARD protein function.

NM_018341.3(ERMARD):c.1489T>A (p.Leu497Ile)

Gene: ERMARD (ER membrane associated RNA degradation; plus strand). Cytogenetic location: 6q27.
Variant type: single nucleotide variant.
Coding change: c.1489T>A on transcript NM_018341.3 (MANE Select); coding-DNA position 1489, T replaced by A.
Protein change: p.Leu497Ile; replaces leucine 497 with isoleucine.
Molecular consequence: missense variant.
Genome position (GRCh38, 1-based): chr6:169,776,034, T>A. VCF-style: chr6-169776034-T-A. GRCh37 (hg19) VCF-style: chr6-170176130-T-A.
Other names: c.1489T>A, p.Leu497Ile (NM_001278531.2, NM_001278533.2); c.1111T>A, p.Leu371Ile (NM_001278532.2); c.1081T>A, p.Leu361Ile (NM_001410957.1); short protein forms L497I, L361I, L371I.
Identifiers: ClinVar variation 2917339 (VCV002917339.3), dbSNP rs1793551722, ClinGen allele CA366503627.